The following is an entry in ClinVar:

ClinVar aggregate classification (germline): Pathogenic/Likely pathogenic. Review status: criteria provided, multiple submitters, no conflicts (2 of 4 stars). 5 submissions from 5 submitters: Pathogenic (1); Likely pathogenic (3). 1 of the submissions does not count toward it. Last evaluated 2024-12-16.

Conditions:
Arthrogryposis multiplex congenita 6. Identifiers: MedGen C5543431, MONDO:0030281, OMIM 619334.
Nemaline myopathy 2 (NEM2). Also called: Nemaline myopathy 2, autosomal recessive. Identifiers: MedGen C1850569, MONDO:0009725, OMIM 256030.

Submissions (5):

Diagnostics Services (NGS), CSIR - Centre For Cellular And Molecular Biology
Classification: Likely pathogenic for Arthrogryposis multiplex congenita 6; Nemaline myopathy 2. Last evaluated: 2024-12-16. Review status: criteria provided, single submitter. Criteria: ACMG Guidelines, 2015. Collection method: clinical testing. Allele origin: unknown. Affected: no. Observed: 1 variant allele, 1 heterozygote.
Comment: The c.24554_24555dup variant is not present in 1000 Genomes, EVS, gnomAD, Indian Exome Database and our internal database. This variant has neither been reported in the literature in individuals affected with NEB-related conditions nor reported to the clinical databases like ClinVar, OMIM, or HGMD, in any affected individuals. In-silico pathogenicity prediction programs like MutationTaster2, CADD, Varsome, Franklin etc predicted this variant to be likely deleterious. This variant causes frameshift at the 8186th amino acid position of the wild-type transcript that creates a premature translational stop signal at the altered transcript that may either result in translation of a truncated protein or cause nonsense mediated decay of the mRNA.

Revvity Omics, Revvity
Classification: Likely pathogenic. Last evaluated: 2024-10-03. Review status: criteria provided, single submitter. Criteria: ACMG Guidelines, 2015. Collection method: clinical testing. Allele origin: germline.

Labcorp Genetics (formerly Invitae), Labcorp
Classification: Pathogenic for Nemaline myopathy 2. Last evaluated: 2023-04-15. Review status: criteria provided, single submitter. Criteria: Invitae Variant Classification Sherloc (09022015). Collection method: clinical testing. Allele origin: germline.
Comment: For these reasons, this variant has been classified as Pathogenic. ClinVar contains an entry for this variant (Variation ID: 557774). This variant has not been reported in the literature in individuals affected with NEB-related conditions. This variant is not present in population databases (gnomAD no frequency). This sequence change creates a premature translational stop signal (p.Arg8221Asnfs*31) in the NEB gene. It is expected to result in an absent or disrupted protein product. Loss-of-function variants in NEB are known to be pathogenic (PMID: 25205138).

Baylor Genetics
Classification: Likely pathogenic for Arthrogryposis multiplex congenita 6. Last evaluated: 2023-03-06. Review status: criteria provided, single submitter. Criteria: ACMG Guidelines, 2015. Collection method: clinical testing. Allele origin: unknown.

Counsyl
Classification: Likely pathogenic for Nemaline myopathy 2. Last evaluated: 2018-04-10. Review status: no assertion criteria provided. Collection method: clinical testing. Allele origin: unknown. Not counted in ClinVar's aggregate classification.

Literature cited by the submitters: PubMed 25205138 (cited by Labcorp Genetics (formerly Invitae), Labcorp).

NM_001164508.2(NEB):c.24554_24555dup (p.Arg8186fs)

Genes: NEB (nebulin; minus strand), RIF1 (replication timing regulatory factor 1; plus strand). Cytogenetic location: 2q23.3.
Variant type: Duplication.
Coding change: c.24554_24555dup on transcript NM_001164508.2 (MANE Select); coding-DNA positions 24554 to 24555, 2 bases duplicated (AA; older notation c.24554_24555dupAA).
Protein change: p.Arg8186fs; shifts the reading frame from arginine 8186.
Molecular consequence: frameshift variant.
Genome position (GRCh38, 1-based): chr2:151,494,185-151,494,186, TT duplicated on the plus strand (AA on the coding strand, the reverse complement: NEB is on the minus strand); duplicating any 2 consecutive bases within chr2:151,494,185-151,494,187 gives the same sequence; the c. name uses the placement nearest the transcript's 3' end. VCF-style (leftmost placement, unchanged base first): chr2-151494184-G-GTT. GRCh37 (hg19) VCF-style: chr2-152350698-G-GTT.
Other names: c.24659_24660dupAA (NM_001271208.1); c.24554_24555dup, p.Arg8186fs (NM_001164507.2); c.24659_24660dup, p.Arg8221fs (NM_001271208.2); c.18986_18987dup, p.Arg6330fs (NM_004543.5); short protein forms R6330fs, R8221fs, R8186fs.
Identifiers: ClinVar variation 557774 (VCV000557774.12), dbSNP rs1553537512, ClinGen allele CA658821198.